The following is an entry in ClinVar:

NM_001383.6(DPH1):c.320A>G (p.Tyr107Cys)

Gene: DPH1 (diphthamide biosynthesis 1; plus strand). Cytogenetic location: 17p13.3.
Variant type: single nucleotide variant.
Coding change: c.320A>G on transcript NM_001383.6 (MANE Select); coding-DNA position 320, A replaced by G.
Protein change: p.Tyr107Cys; replaces tyrosine 107 with cysteine.
Molecular consequence: missense variant. On other transcripts: intron variant (1), non-coding transcript variant (3).
Genome position (GRCh38, 1-based): chr17:2,036,011, A>G. VCF-style: chr17-2036011-A-G. GRCh37 (hg19) VCF-style: chr17-1939305-A-G.
Other names: c.335A>G, p.Tyr112Cys (NM_001346574.1, NM_001346575.1); c.-5-518A>G (NM_001346576.2); short protein forms Y112C, Y107C.
Identifiers: ClinVar variation 997988 (VCV000997988.7), dbSNP rs772969956, ClinGen allele CA8276938.
Genomic context (GRCh38, chr17:2,036,011, plus strand): 5'-CCCGCCCCTGTGCCCGCAGGTTCACGGAGGCCGAAGTGATGGTGATGGGTGACGTGACCT[A>G]CGGGGCTTGCTGTGTGGATGACTTCACAGCGAGGGCCCTGGGAGCTGACTTCTTGGTGCA-3'
Protein context (NP_001374.4, residues 97-117): AEVMVMGDVT[Tyr107Cys]GACCVDDFTA

ClinVar aggregate classification (germline): Pathogenic. Review status: criteria provided, single submitter (1 of 4 stars). 2 submissions from 2 submitters: Pathogenic (1). 1 of the submissions does not count toward it. Last evaluated 2025-04-10.

Conditions:
Developmental delay with short stature, dysmorphic facial features, and sparse hair 1. Also called: LOUCKS-INNES SYNDROME. Identifiers: MedGen CN323360, MONDO:0800438, OMIM 616901.

Allele frequency attached by ClinVar (database versions not stated): gnomAD exomes 0.00001; gnomAD 0.00001; TOPMed below 0.00001; ExAC 0.00001.
gnomAD v4.1: 9 of 1,613,832 alleles (0.00056%); highest among the groups gnomAD compares: Middle Eastern, 0.016%; no homozygotes.

Submissions (2):

GeneDx
Classification: Pathogenic. Last evaluated: 2025-04-10. Review status: criteria provided, single submitter. Criteria: GeneDx Variant Classification Process June 2021. Collection method: clinical testing. Allele origin: germline. Affected: yes.
Comment: Published functional studies demonstrate a damaging effect, including reduced ADP-ribosylation of eEF2 and a reduction of enzyme activity (PMID: 37675463, 30877278); In silico analysis supports that this missense variant has a deleterious effect on protein structure/function; This variant is associated with the following publications: (PMID: 30877278, 33704902, 37675463)

OMIM
Classification: Pathogenic for DEVELOPMENTAL DELAY WITH SHORT STATURE, DYSMORPHIC FACIAL FEATURES, AND SPARSE HAIR 1. Last evaluated: 2022-09-30. Review status: no assertion criteria provided. Collection method: literature only. Allele origin: germline. Not counted in ClinVar's aggregate classification.

Literature cited by the submitters: PubMed 30877278 (cited by OMIM).